The following is an entry in ClinVar:

NM_201384.3(PLEC):c.3316A>G (p.Arg1106Gly)

Gene: PLEC (plectin; minus strand). Cytogenetic location: 8q24.3.
Variant type: single nucleotide variant.
Coding change: c.3316A>G on transcript NM_201384.3 (MANE Select); coding-DNA position 3316, A replaced by G.
Protein change: p.Arg1106Gly; replaces arginine 1106 with glycine.
Molecular consequence: missense variant.
Genome position (GRCh38, 1-based): chr8:143,927,937, T>C on the plus strand (A>G on the coding strand, the complement: PLEC is on the minus strand). VCF-style: chr8-143927937-T-C. GRCh37 (hg19) VCF-style: chr8-145002105-T-C.
Other names: c.3274A>G, p.Arg1092Gly (NM_201378.4); c.3250A>G, p.Arg1084Gly (NM_201379.3); c.3727A>G, p.Arg1243Gly (NM_201380.4); c.3220A>G, p.Arg1074Gly (NM_201381.3); c.3316A>G, p.Arg1106Gly (NM_201382.4); c.3328A>G, p.Arg1110Gly (NM_201383.3); c.3397A>G, p.Arg1133Gly (NM_000445.5, NM_001410941.1); short protein forms R1110G, R1084G, R1092G, R1133G, R1074G, R1106G, R1243G.
Identifiers: ClinVar variation 3214699 (VCV003214699.2), dbSNP rs782158320, ClinGen allele CA4927124.

ClinVar aggregate classification (germline): Uncertain significance. Review status: criteria provided, multiple submitters, no conflicts (2 of 4 stars). 2 submissions from 2 submitters: Uncertain significance (2). Last evaluated 2025-05-02.

Conditions:
Epidermolysis bullosa simplex 5C, with pyloric atresia (EBS5C). Also called: PLEC1-Related Epidermolysis Bullosa with Pyloric Atresia; PLEC-Related Epidermolysis Bullosa with Pyloric Atresia; Epidermolysis bullosa simplex with pyloric atresia. Identifiers: Orphanet 158684, MedGen C2677349, MONDO:0012807, OMIM 612138.
Epidermolysis bullosa simplex 5B, with muscular dystrophy (EBS5B). Also called: EPIDERMOLYSIS BULLOSA SIMPLEX AND LIMB-GIRDLE MUSCULAR DYSTROPHY; Epidermolysis bullosa simplex with muscular dystrophy. Identifiers: Orphanet 257, MedGen C2931072, MONDO:0009181, OMIM 226670.
Epidermolysis bullosa simplex, Ogna type (EBS5A). Also called: Pidermolysis bullosa simplex 5A, Ogna type; EPIDERMOLYSIS BULLOSA SIMPLEX 5A, OGNA TYPE. Identifiers: Orphanet 79401, MedGen C0432317, MONDO:0007555, OMIM 131950.
Autosomal recessive limb-girdle muscular dystrophy type 2Q (LGMDR17). Also called: MUSCULAR DYSTROPHY, LIMB-GIRDLE, AUTOSOMAL RECESSIVE 17. Identifiers: Orphanet 254361, MedGen C3150989, MONDO:0013390, OMIM 613723.
Epidermolysis bullosa simplex with nail dystrophy (EBS5D). Identifiers: MedGen C4225309, MONDO:0014661, OMIM 616487.
Inborn genetic diseases. Identifiers: MedGen C0950123, MeSH D030342.

Allele frequency attached by ClinVar (database versions not stated): gnomAD exomes below 0.00001; TOPMed below 0.00001; gnomAD 0.00001; ExAC 0.00006.

Submissions (2):

Labcorp Genetics (formerly Invitae), Labcorp
Classification: Uncertain significance for Autosomal recessive limb-girdle muscular dystrophy type 2Q; Epidermolysis bullosa simplex, Ogna type; Epidermolysis bullosa simplex with nail dystrophy; Epidermolysis bullosa simplex 5C, with pyloric atresia; Epidermolysis bullosa simplex 5B, with muscular dystrophy. Last evaluated: 2025-05-02. Review status: criteria provided, single submitter. Criteria: Invitae Variant Classification Sherloc (09022015). Collection method: clinical testing. Allele origin: germline.
Comment: This sequence change replaces arginine, which is basic and polar, with glycine, which is neutral and non-polar, at codon 1133 of the PLEC protein (p.Arg1133Gly). The frequency data for this variant in the population databases is considered unreliable, as metrics indicate poor data quality at this position in the gnomAD database. This variant has not been reported in the literature in individuals affected with PLEC-related conditions. ClinVar contains an entry for this variant (Variation ID: 3214699). Invitae Evidence Modeling of protein sequence and biophysical properties (such as structural, functional, and spatial information, amino acid conservation, physicochemical variation, residue mobility, and thermodynamic stability) indicates that this missense variant is not expected to disrupt PLEC protein function with a negative predictive value of 80%. In summary, the available evidence is currently insufficient to determine the role of this variant in disease. Therefore, it has been classified as a Variant of Uncertain Significance.

Ambry Genetics
Classification: Uncertain significance for Inborn genetic diseases. Last evaluated: 2023-10-10. Review status: criteria provided, single submitter. Criteria: Ambry Variant Classification Scheme 2023. Collection method: clinical testing. Allele origin: germline.